The following is an entry in ClinVar:

NM_000368.5(TSC1):c.299A>G (p.Gln100Arg)

Gene: TSC1 (TSC complex subunit 1; minus strand). Cytogenetic location: 9q34.13.
Variant type: single nucleotide variant.
Coding change: c.299A>G on transcript NM_000368.5 (MANE Select); coding-DNA position 299, A replaced by G.
Protein change: p.Gln100Arg; replaces glutamine 100 with arginine.
Molecular consequence: missense variant. On other transcripts: 5 prime UTR variant (18), non-coding transcript variant (5), intron variant (5).
Genome position (GRCh38, 1-based): chr9:132,925,651, T>C on the plus strand (A>G on the coding strand, the complement: TSC1 is on the minus strand). VCF-style: chr9-132925651-T-C. GRCh37 (hg19) VCF-style: chr9-135801038-T-C.
Other names: c.299A>G, p.Gln100Arg (NM_001406605.1, NM_001406606.1, NM_001406607.1 and 16 more transcripts); c.-157A>G (NM_001406614.1, NM_001406616.1, NM_001406624.1); c.-190A>G (NM_001406615.1, NM_001406623.1); c.-65A>G (NM_001406617.1, NM_001406618.1, NM_001406619.1 and 5 more transcripts); c.-579A>G (NM_001406626.1, NM_001406627.1, NM_001406628.1); c.-721A>G (NM_001406629.1); c.-795A>G (NM_001406630.1); c.210+1550A>G (NM_001406613.1, NM_001406612.1, NM_001406610.1 and 2 more transcripts); short protein forms Q100R.
Identifiers: ClinVar variation 3231314 (VCV003231314.2), dbSNP rs2132233424, ClinGen allele CA375374535.
Genomic context (GRCh38, chr9:132,925,651, plus strand): 5'-AGACATTTTAGTAAAGAAGGCAAAAGAGGTGCTTGAGAGAGCTTATGCTTCCAAGATGGC[T>C]GCAGTCTTATGACATGACCCAGTAACGAGAGGATGGATAAACGAGTGGCGGCTTTGCCCA-3'
Protein context (NP_000359.1, residues 90-110): LSLLGHVIRL[Gln100Arg]PSWKHKLSQA

ClinVar aggregate classification (germline): Uncertain significance (1 of 4 stars; one submission).

Conditions:
Hereditary cancer-predisposing syndrome. Also called: Neoplastic Syndromes, Hereditary; Tumor predisposition; Hereditary Cancer Syndrome; Hereditary neoplastic syndrome. Identifiers: Orphanet 140162, MedGen C0027672, MeSH D009386, MONDO:0015356.

Submission:

Ambry Genetics
Classification: Uncertain significance for Hereditary cancer-predisposing syndrome. Last evaluated: 2026-09-14. Review status: criteria provided, single submitter. Criteria: Ambry Variant Classification Scheme 2023. Collection method: clinical testing. Allele origin: germline.
Comment: The p.Q100R variant (also known as c.299A>G), located in coding exon 3 of the TSC1 gene, results from an A to G substitution at nucleotide position 299. The glutamine at codon 100 is replaced by arginine, an amino acid with highly similar properties. This amino acid position is highly conserved in available vertebrate species. In addition, this alteration is predicted to be deleterious by in silico analysis. Based on the available evidence, the clinical significance of this variant remains unclear.